The following is an entry in ClinVar:

NM_001111125.3(IQSEC2):c.4402_4418dup (p.Ser1474fs)

Gene: IQSEC2 (IQ motif and Sec7 domain ArfGEF 2; minus strand). Cytogenetic location: Xp11.22.
Variant type: Duplication.
Coding change: c.4402_4418dup on transcript NM_001111125.3 (MANE Select); coding-DNA positions 4402 to 4418, 17 bases duplicated (GGCACAGCCAACCCCCC).
Protein change: p.Ser1474fs; shifts the reading frame from serine 1474.
Molecular consequence: frameshift variant. On other transcripts: 3 prime UTR variant (1).
Genome position (GRCh38, 1-based): chrX:53,234,268-53,234,284, GGGGGGTTGGCTGTGCC duplicated on the plus strand (GGCACAGCCAACCCCCC on the coding strand, the reverse complement: IQSEC2 is on the minus strand). VCF-style (leftmost placement, unchanged base first): chrX-53234267-G-GGGGGGGTTGGCTGTGCC. GRCh37 (hg19) VCF-style: chrX-53263449-G-GGGGGGGTTGGCTGTGCC.
Other names: c.*887_*903dup (NM_015075.2); short protein forms S1474fs.
Identifiers: ClinVar variation 1076522 (VCV001076522.11), dbSNP rs2146999877, ClinGen allele CA2499226777.

ClinVar aggregate classification (germline): Pathogenic (1 of 4 stars; one submission).

Conditions:
Intellectual developmental disorder, X-linked 1. Also called: Atkin Flaitz Patil Smith syndrome; Intellectual disability, X-linked 1; MENTAL RETARDATION, X-LINKED 18; MENTAL RETARDATION, X-LINKED 78. Identifiers: Orphanet 777, MedGen C2931498, MONDO:0010656, OMIM 309530.

Submission:

Labcorp Genetics (formerly Invitae), Labcorp
Classification: Pathogenic for Intellectual developmental disorder, X-linked 1. Last evaluated: 2020-01-23. Review status: criteria provided, single submitter. Criteria: Invitae Variant Classification Sherloc (09022015). Collection method: clinical testing. Allele origin: germline.
Comment: For these reasons, this variant has been classified as Pathogenic. This variant results in an extension of the IQSEC2 protein. Other variant(s) that result in a similarly extended protein product (p.Lys1480Argfs*17) have been determined to be pathogenic (Invitae). This suggests that these extensions are likely to be causative of disease. Algorithms developed to predict the effect of sequence changes on RNA splicing suggest that this variant may create or strengthen a splice site, but this prediction has not been confirmed by published transcriptional studies. This variant has not been reported in the literature in individuals with IQSEC2-related conditions. The frequency data for this variant in the population databases is considered unreliable, as metrics indicate insufficient coverage at this position in the ExAC database. This sequence change results in a frameshift in the IQSEC2 gene (p.Ser1474Alafs*27). While this is not anticipated to result in nonsense mediated decay, it is expected to disrupt the last 15 amino acids of the IQSEC2 protein and extend the protein by an additional 11 amino acids.